The following is an entry in ClinVar:

ClinVar aggregate classification (germline): Likely benign (1 of 4 stars; one submission).

Allele frequency attached by ClinVar (database versions not stated): TOPMed below 0.00001; gnomAD 0.00001.
gnomAD v4.1: 1 of 398,396 alleles (0.00025%); highest among the groups gnomAD compares: Non-Finnish European, 0.00044%; no homozygotes.

Submission:

CeGaT Center for Human Genetics Tuebingen
Classification: Likely benign. Last evaluated: 2024-07-01. Review status: criteria provided, single submitter. Criteria: CeGaT Center For Human Genetics Tuebingen Variant Classification Criteria Version 2. Collection method: clinical testing. Allele origin: germline. Affected: yes. Observed: 2 variant alleles.
Comment: CIC: BP4, BP7

NM_001386298.1(CIC):c.1572C>T (p.His524=)

Gene: CIC (capicua transcriptional repressor; plus strand). Cytogenetic location: 19q13.2.
Variant type: single nucleotide variant.
Coding change: c.1572C>T on transcript NM_001386298.1 (MANE Select); coding-DNA position 1572, C replaced by T.
Protein change: p.His524=; no amino-acid change (histidine 524 retained).
Molecular consequence: synonymous variant.
Genome position (GRCh38, 1-based): chr19:42,273,355, C>T. VCF-style: chr19-42273355-C-T. GRCh37 (hg19) VCF-style: chr19-42777507-C-T.
Other names: c.1572C>T, p.His524= (NM_001379480.1, NM_001379482.1, NM_001379483.1 and 1 more transcripts).
Identifiers: ClinVar variation 2649955 (VCV002649955.24), dbSNP rs2036853720, ClinGen allele CA507702067.
Genomic context (GRCh38, chr19:42,273,355, plus strand): 5'-GCTGTGCTCACGAGATGGCTGCATGAAGGAGTCACAGCGGCGAGGCTACTGCTCACGCCA[C>T]CTGTCCATGCGAACCAAAGAGATGGAAGGCCTGGCAGACAGTGGGCCTGGCGGGGCGGGC-3'
Protein context (NP_001373227.1, residues 514-534): ESQRRGYCSR[His524=]LSMRTKEMEG